The following is an entry in ClinVar:

NM_021076.4(NEFH):c.923C>T (p.Thr308Ile)

Gene: NEFH (neurofilament heavy chain; plus strand). Cytogenetic location: 22q12.2.
Variant type: single nucleotide variant.
Coding change: c.923C>T on transcript NM_021076.4 (MANE Select); coding-DNA position 923, C replaced by T.
Protein change: p.Thr308Ile; replaces threonine 308 with isoleucine.
Molecular consequence: missense variant.
Genome position (GRCh38, 1-based): chr22:29,483,414, C>T. VCF-style: chr22-29483414-C-T. GRCh37 (hg19) VCF-style: chr22-29879403-C-T.
Other names: short protein forms T308I.
Identifiers: ClinVar variation 1977510 (VCV001977510.5), dbSNP rs2063023919, ClinGen allele CA411124890.

ClinVar aggregate classification (germline): Uncertain significance (1 of 4 stars; one submission).

Allele frequency attached by ClinVar (database versions not stated): gnomAD exomes below 0.00001; TOPMed 0.00001.
gnomAD v4.1: 1 of 1,613,890 alleles (0.000062%); highest among the groups gnomAD compares: Admixed American, 0.0017%; no homozygotes.

Submission:

Labcorp Genetics (formerly Invitae), Labcorp
Classification: Uncertain significance. Last evaluated: 2025-04-21. Review status: criteria provided, single submitter. Criteria: Invitae Variant Classification Sherloc (09022015). Collection method: clinical testing. Allele origin: germline.
Comment: This sequence change replaces threonine, which is neutral and polar, with isoleucine, which is neutral and non-polar, at codon 308 of the NEFH protein (p.Thr308Ile). This variant is not present in population databases (gnomAD no frequency). This variant has not been reported in the literature in individuals affected with NEFH-related conditions. ClinVar contains an entry for this variant (Variation ID: 1977510). Invitae Evidence Modeling of protein sequence and biophysical properties (such as structural, functional, and spatial information, amino acid conservation, physicochemical variation, residue mobility, and thermodynamic stability) indicates that this missense variant is not expected to disrupt NEFH protein function with a negative predictive value of 95%. In summary, the available evidence is currently insufficient to determine the role of this variant in disease. Therefore, it has been classified as a Variant of Uncertain Significance.